The following is an entry in ClinVar:

NM_206933.4(USH2A):c.1669A>G (p.Asn557Asp)

Gene: USH2A (usherin; minus strand). Cytogenetic location: 1q41.
Variant type: single nucleotide variant.
Coding change: c.1669A>G on transcript NM_206933.4 (MANE Select); coding-DNA position 1669, A replaced by G.
Protein change: p.Asn557Asp; replaces asparagine 557 with aspartic acid.
Molecular consequence: missense variant.
Genome position (GRCh38, 1-based): chr1:216,292,346, T>C on the plus strand (A>G on the coding strand, the complement: USH2A is on the minus strand). VCF-style: chr1-216292346-T-C. GRCh37 (hg19) VCF-style: chr1-216465688-T-C.
Other names: c.1669A>G, p.Asn557Asp (NM_007123.6); short protein forms N557D.
Identifiers: ClinVar variation 4800040 (VCV004800040.1).

ClinVar aggregate classification (germline): Uncertain significance (1 of 4 stars; one submission).

Submission:

Labcorp Genetics (formerly Invitae), Labcorp
Classification: Uncertain significance. Last evaluated: 2025-10-14. Review status: criteria provided, single submitter. Criteria: Invitae Variant Classification Sherloc (09022015). Collection method: clinical testing. Allele origin: germline.
Comment: This sequence change replaces asparagine, which is neutral and polar, with aspartic acid, which is acidic and polar, at codon 557 of the USH2A protein (p.Asn557Asp). This variant is not present in population databases (gnomAD no frequency). This missense change has been observed in individual(s) with USH2A-related conditions (internal data). In at least one individual the data is consistent with being in trans (on the opposite chromosome) from a pathogenic variant. Invitae Evidence Modeling of protein sequence and biophysical properties (such as structural, functional, and spatial information, amino acid conservation, physicochemical variation, residue mobility, and thermodynamic stability) has been performed for this missense variant. However, the output from this modeling did not meet the statistical confidence thresholds required to predict the impact of this variant on USH2A protein function. In summary, the available evidence is currently insufficient to determine the role of this variant in disease. Therefore, it has been classified as a Variant of Uncertain Significance.